The following is an entry in ClinVar:

ClinVar aggregate classification (germline): Uncertain significance (1 of 4 stars; one submission).

Conditions:
Alzheimer disease. Also called: Presenile and senile dementia; Alzheimer's disease. Identifiers: Orphanet 1020, MedGen C0002395, MeSH D000544, MONDO:0004975, HP:0002511.

gnomAD v4.1: 5 of 1,613,956 alleles (0.00031%); highest among the groups gnomAD compares: Non-Finnish European, 0.00034%; no homozygotes.

Submission:

Labcorp Genetics (formerly Invitae), Labcorp
Classification: Uncertain significance for Alzheimer disease. Last evaluated: 2024-10-16. Review status: criteria provided, single submitter. Criteria: Invitae Variant Classification Sherloc (09022015). Collection method: clinical testing. Allele origin: germline.
Comment: This sequence change replaces glutamic acid, which is acidic and polar, with lysine, which is basic and polar, at codon 636 of the APP protein (p.Glu636Lys). This variant is not present in population databases (gnomAD no frequency). This variant has not been reported in the literature in individuals affected with APP-related conditions. Invitae Evidence Modeling of protein sequence and biophysical properties (such as structural, functional, and spatial information, amino acid conservation, physicochemical variation, residue mobility, and thermodynamic stability) indicates that this missense variant is not expected to disrupt APP protein function with a negative predictive value of 95%. In summary, the available evidence is currently insufficient to determine the role of this variant in disease. Therefore, it has been classified as a Variant of Uncertain Significance.

NM_000484.4(APP):c.1906G>A (p.Glu636Lys)

Gene: APP (amyloid beta precursor protein; minus strand). Cytogenetic location: 21q21.3.
Variant type: single nucleotide variant.
Coding change: c.1906G>A on transcript NM_000484.4 (MANE Select); coding-DNA position 1906, G replaced by A.
Protein change: p.Glu636Lys; replaces glutamic acid 636 with lysine.
Molecular consequence: missense variant.
Genome position (GRCh38, 1-based): chr21:25,911,744, C>T on the plus strand (G>A on the coding strand, the complement: APP is on the minus strand). VCF-style: chr21-25911744-C-T. GRCh37 (hg19) VCF-style: chr21-27284056-C-T.
Other names: c.1834G>A, p.Glu612Lys (NM_001136016.3); c.1513G>A, p.Glu505Lys (NM_001136129.3); c.1738G>A, p.Glu580Lys (NM_001136130.3, NM_001385253.1); c.1576G>A, p.Glu526Lys (NM_001136131.3); c.1906G>A, p.Glu636Lys (NM_001204301.2); c.1849G>A, p.Glu617Lys (NM_001204302.2, NM_201413.3); c.1681G>A, p.Glu561Lys (NM_001204303.2, NM_201414.3); short protein forms E505K, E561K, E636K, E526K, E580K, E617K, E612K.
Identifiers: ClinVar variation 3705484 (VCV003705484.2).
Genomic context (GRCh38, chr21:25,911,744, plus strand): 5'-TTATGTATGTGTATATATACCTCCCAGAACGCCCTTGCTGGCTCAGGGGACTCTTACCTT[C>T]GTTTTCTGTGTTGGCTGGCACAGAGTCAGCCCCAAAAGAATGCCACGGCTGGAGATCGTC-3'
Protein context (NP_000475.1, residues 626-646): ADSVPANTEN[Glu636Lys]VEPVDARPAA